The following is an entry in ClinVar:

ClinVar aggregate classification (germline): Uncertain significance (1 of 4 stars; one submission).

Conditions:
Dyskeratosis congenita, autosomal dominant 2. Identifiers: MedGen C3151443, MONDO:0013521, OMIM 613989.
Interstitial lung disease 2 (ILD2). Also called: Familial idiopathic pulmonary fibrosis; FIBROCYSTIC PULMONARY DYSPLASIA; FIBROSING ALVEOLITIS, CRYPTOGENIC. Identifiers: Orphanet 2032, Orphanet 79126, MedGen C5561926, MONDO:0800497, OMIM 178500, MONDO:0800029.

Submission:

Labcorp Genetics (formerly Invitae), Labcorp
Classification: Uncertain significance for Dyskeratosis congenita, autosomal dominant, 2; Idiopathic fibrosing alveolitis, chronic form. Last evaluated: 2018-07-03. Review status: criteria provided, single submitter. Criteria: Invitae Variant Classification Sherloc (09022015). Collection method: clinical testing. Allele origin: germline.
Comment: This sequence change replaces alanine with proline at codon 1077 of the TERT protein (p.Ala1077Pro). The alanine residue is highly conserved and there is a small physicochemical difference between alanine and proline. This variant is not present in population databases (ExAC no frequency). This variant has not been reported in the literature in individuals with TERT-related disease. Algorithms developed to predict the effect of missense changes on protein structure and function are either unavailable or do not agree on the potential impact of this missense change (SIFT: "Deleterious"; PolyPhen-2: "Probably Damaging"; Align-GVGD: "Class C0"). In summary, the available evidence is currently insufficient to determine the role of this variant in disease. Therefore, it has been classified as a Variant of Uncertain Significance.

NM_198253.3(TERT):c.3229G>C (p.Ala1077Pro)

Gene: TERT (telomerase reverse transcriptase; minus strand). Cytogenetic location: 5p15.33.
Variant type: single nucleotide variant.
Coding change: c.3229G>C on transcript NM_198253.3 (MANE Select); coding-DNA position 3229, G replaced by C.
Protein change: p.Ala1077Pro; replaces alanine 1077 with proline.
Molecular consequence: missense variant. On other transcripts: non-coding transcript variant (2).
Genome position (GRCh38, 1-based): chr5:1,254,434, C>G on the plus strand (G>C on the coding strand, the complement: TERT is on the minus strand). VCF-style: chr5-1254434-C-G. GRCh37 (hg19) VCF-style: chr5-1254549-C-G.
Other names: c.3040G>C, p.Ala1014Pro (NM_001193376.3); short protein forms A1014P, A1077P.
Identifiers: ClinVar variation 643928 (VCV000643928.1), dbSNP rs1579542647, ClinGen allele CA359067332.